The following is an entry in ClinVar:

NM_018082.6(POLR3B):c.165_167del (p.Ile55_Lys56delinsMet)

Gene: POLR3B (RNA polymerase III subunit B; plus strand). Cytogenetic location: 12q23.3.
Variant type: Deletion.
Coding change: c.165_167del on transcript NM_018082.6 (MANE Select); coding-DNA positions 165 to 167, 3 bases deleted (AAA; older notation c.165_167delAAA).
Protein change: p.Ile55_Lys56delinsMet.
Molecular consequence: inframe indel. On other transcripts: 5 prime UTR variant (1).
Genome position (GRCh38, 1-based): chr12:106,366,660-106,366,662, AAA deleted. VCF-style (leftmost placement, unchanged base first): chr12-106366659-TAAA-T. GRCh37 (hg19) VCF-style: chr12-106760437-TAAA-T.
Other names: c.-10_-8del (NM_001160708.2).
Identifiers: ClinVar variation 1213560 (VCV001213560.5), dbSNP rs745721628, ClinGen allele CA6761617.

ClinVar aggregate classification (germline): Conflicting classifications of pathogenicity. Review status: criteria provided, conflicting classifications (1 of 4 stars). 2 submissions from 2 submitters: Likely pathogenic (1); Uncertain significance (1). Last evaluated 2019-12-31.

Conditions:
Charcot-Marie-Tooth disease, demyelinating, IIA 1I. Also called: CHARCOT-MARIE-TOOTH NEUROPATHY, TYPE 1I; Charcot-Marie-Tooth disease, demyelinating, type 1I. Identifiers: MedGen C5676914, MONDO:0030677, OMIM 619742.
Leukodystrophy, hypomyelinating, 8, with or without oligodontia and/or hypogonadotropic hypogonadism. Also called: LEUKODYSTROPHY, HYPOMYELINATING, 8, WITH HYPODONTIA AND HYPOGONADOTROPIC HYPOGONADISM; Hypomyelinating leukodystrophy 8 with or without oligodontia and-or hypogonadotropic hypogonadism; Endosteal sclerosis-cerebellar hypoplasia syndrome. Identifiers: Orphanet 85186, Orphanet 88637, MedGen C3280644, MONDO:0013722, OMIM 614381.

Allele frequency attached by ClinVar (database versions not stated): gnomAD exomes below 0.00001 and 0.00001; ExAC 0.00001.

Submissions (2):

GeneDx
Classification: Uncertain significance. Last evaluated: 2019-12-31. Review status: criteria provided, single submitter. Criteria: GeneDx Variant Classification Process June 2021. Collection method: clinical testing. Allele origin: germline. Affected: yes.
Comment: Not observed at a significant frequency in large population cohorts (Lek et al., 2016); In-frame deletion of 2 amino acids and insertion of 1 incorrect amino acid in a non-repeat region; In silico analysis, which includes protein predictors and evolutionary conservation, supports a deleterious effect; Has not been previously published as pathogenic or benign to our knowledge

Juno Genomics, Hangzhou Juno Genomics, Inc
Classification: Likely pathogenic for Charcot-Marie-Tooth disease, demyelinating, IIA 1I; Leukodystrophy, hypomyelinating, 8, with or without oligodontia and/or hypogonadotropic hypogonadism. Review status: criteria provided, single submitter. Criteria: ACMG Guidelines, 2015. Collection method: clinical testing. Allele origin: germline.
Comment: Absent from controls (or at extremely low frequency if recessive) in Genome Aggregation Database.;Protein length changes due to in-frame deletions/insertions in a non-repeat region or stop-loss variants.;For recessive disorders, detected in trans with a pathogenic variant.;Co-segregation with disease in multiple affected family members.;Patient's phenotype or family history is highly specific for a disease with a single genetic etiology.;Well-established in vitro or in vivo functional studies supportive of a damaging effect on the gene or gene product.